The following is an entry in ClinVar:

ClinVar aggregate classification (germline): Likely pathogenic (1 of 4 stars; one submission).

Conditions:
Angelman syndrome-like. Identifiers: MedGen CN128785.
Developmental and epileptic encephalopathy, 2 (DEE2). Also called: INFANTILE SPASM SYNDROME, X-LINKED 2; CDKL5 deficiency disorder. Identifiers: Orphanet 1934, Orphanet 3451, Orphanet 505652, MedGen C4750718, MONDO:0010396, OMIM 300672.

Submission:

Labcorp Genetics (formerly Invitae), Labcorp
Classification: Likely pathogenic for Developmental and epileptic encephalopathy, 2; Angelman syndrome-like. Last evaluated: 2020-08-05. Review status: criteria provided, single submitter. Criteria: Invitae Variant Classification Sherloc (09022015). Collection method: clinical testing. Allele origin: germline.
Comment: In summary, the currently available evidence indicates that the variant is pathogenic, but additional data are needed to prove that conclusively. Therefore, this variant has been classified as Likely Pathogenic. Algorithms developed to predict the effect of missense changes on protein structure and function (SIFT, PolyPhen-2, Align-GVGD) all suggest that this variant is likely to be disruptive, but these predictions have not been confirmed by published functional studies and their clinical significance is uncertain. This variant has been observed in individual(s) with clinical features of CDKL5-related conditions (Invitae). In at least one individual the variant was observed to be de novo. This variant is not present in population databases (ExAC no frequency). This sequence change replaces tyrosine with aspartic acid at codon 86 of the CDKL5 protein (p.Tyr86Asp). The tyrosine residue is highly conserved and there is a large physicochemical difference between tyrosine and aspartic acid.

NM_001323289.2(CDKL5):c.256T>G (p.Tyr86Asp)

Gene: CDKL5 (cyclin dependent kinase like 5; plus strand). Cytogenetic location: Xp22.13.
Variant type: single nucleotide variant.
Coding change: c.256T>G on transcript NM_001323289.2 (MANE Select); coding-DNA position 256, T replaced by G.
Protein change: p.Tyr86Asp; replaces tyrosine 86 with aspartic acid.
Molecular consequence: missense variant.
Genome position (GRCh38, 1-based): chrX:18,575,464, T>G. VCF-style: chrX-18575464-T-G. GRCh37 (hg19) VCF-style: chrX-18593584-T-G.
Other names: c.256T>G, p.Tyr86Asp (NM_001037343.2, NM_003159.3); short protein forms Y86D.
Identifiers: ClinVar variation 1067592 (VCV001067592.9), dbSNP rs2147139669, ClinGen allele CA412348802.
Genomic context (GRCh38, chrX:18,575,464, plus strand): 5'-ACTCTCAAGCAGGAAAACATTGTGGAGTTGAAGGAAGCATTTCGTCGGAGGGGAAAGTTG[T>G]ACTTGGTGTTTGAGTATGTTGAAAAAGTAAGTCATTAATTGCCAATGTGCACATTTGCCC-3'
Protein context (NP_001310218.1, residues 76-96): KEAFRRRGKL[Tyr86Asp]LVFEYVEKNM